The following is an entry in ClinVar:

NM_001033855.3(DCLRE1C):c.973-1801T>A

Gene: DCLRE1C (DNA cross-link repair 1C; minus strand). Cytogenetic location: 10p13.
Variant type: single nucleotide variant.
Coding change: c.973-1801T>A on transcript NM_001033855.3 (MANE Select); 1801 bases into the intron before coding-DNA position 973, T replaced by A.
Molecular consequence: intron variant.
Genome position (GRCh38, 1-based): chr10:14,924,870, A>T on the plus strand (T>A on the coding strand, the complement: DCLRE1C is on the minus strand). VCF-style: chr10-14924870-A-T. GRCh37 (hg19) VCF-style: chr10-14966869-A-T.
Other names: c.628-1801T>A (NM_001350966.2, NM_001289078.2, NM_001289076.2 and 1 more transcripts); c.973-1801T>A (NM_001350965.2); c.613-1801T>A (NM_001350967.2, NM_001289077.2, NM_001289079.2 and 2 more transcripts).
Identifiers: ClinVar variation 1679474 (VCV001679474.8), dbSNP rs557886549, ClinGen allele CA203388902.

ClinVar aggregate classification (germline): Uncertain significance. Review status: reviewed by expert panel (3 of 4 stars). 2 submissions from 2 submitters: Uncertain significance (1). 1 of the submissions does not count toward it. Last evaluated 2023-11-14.

Conditions:
Severe combined immunodeficiency due to DCLRE1C deficiency (RS-SCID). Also called: SCID, AUTOSOMAL RECESSIVE, T CELL-NEGATIVE, B CELL-NEGATIVE, NK CELL-POSITIVE, WITH SENSITIVITY TO IONIZING RADIATION. Identifiers: Orphanet 275, MedGen C1865371, MONDO:0011225, OMIM 602450.

Allele frequency attached by ClinVar (database versions not stated): gnomAD 0.00027; 1000 Genomes Project 0.00040; 1000 Genomes Project 30x 0.00031; TOPMed 0.00034.
gnomAD v4.1: 41 of 151,974 alleles (0.027%); highest among the groups gnomAD compares: African/African-American, 0.068%; no homozygotes.

Submissions (2):

ClinGen Severe Combined Immunodeficiency Variant Curation Expert Panel, ClinGen
Classification: Uncertain significance for Severe combined immunodeficiency due to DCLRE1C deficiency. Last evaluated: 2023-11-14. Review status: reviewed by expert panel. Criteria: ClinGen SCID ACMG Specifications DCLRE1C V1.0.0. Collection method: curation. Allele origin: germline. Inheritance: Autosomal recessive inheritance.
Comment: The c.973-1801T>A (NM_001033855.3) variant in DCLRE1C is an intronic variant which locates in the deep intronic region in the intron 11. It is not predicted to impact splicing by SpliceAI, varSEAK, and NNSplice. BP7 is met. The highest population minor allele frequency in gnomAD v2.1.1 is 0.0004608 (4/8180 alleles) in African/African American population, which is lower than the SCID-VCEP threshold for BS1 (>0.00078) and BA1 (>0.00346) but higher than the threshold (<0.00003266) for PM2_Supporting (BS1 not met, BA1 not met, PM2_Supporting not met). To our knowledge, this variant has not been reported in the literature in individuals affected with DCLRE1C/SCID conditions or in functional studies. Due to insufficient evidence, this variant is classified as a variant of uncertain significance for autosomal recessive SCID based on ACMG/AMP criteria applied, as specified by the ClinGen SCID VCEP (specification version 1.0).

ARUP Laboratories, Molecular Genetics and Genomics, ARUP Laboratories
Classification: Likely benign. Last evaluated: 2022-02-08. Review status: criteria provided, single submitter. Criteria: ARUP Molecular Germline Variant Investigation Process 2021. Collection method: clinical testing. Allele origin: germline. Not counted in ClinVar's aggregate classification.